The following is an entry in ClinVar:

NC_000007.13:g.(?_30634538)_(30673476_?)dup

Gene: GARS1 (glycyl-tRNA synthetase 1; plus strand). Cytogenetic location: 7p14.3.
Variant type: Duplication.
Identifiers: ClinVar variation 3245830 (VCV003245830.1).

ClinVar aggregate classification (germline): Uncertain significance (1 of 4 stars; one submission).

Conditions:
Charcot-Marie-Tooth disease type 2. Also called: Charcot-Marie-Tooth type 2. Identifiers: Orphanet 64746, MedGen C0270914, MONDO:0018993.

Submission:

Labcorp Genetics (formerly Invitae), Labcorp
Classification: Uncertain significance for Charcot-Marie-Tooth disease type 2. Last evaluated: 2023-09-17. Review status: criteria provided, single submitter. Criteria: Invitae Variant Classification Sherloc (09022015). Collection method: clinical testing. Allele origin: unknown.
Comment: In summary, the available evidence is currently insufficient to determine the role of this variant in disease. Therefore, it has been classified as a Variant of Uncertain Significance. This variant has not been reported in the literature in individuals affected with GARS-related conditions. A copy number gain of the genomic region encompassing the full coding sequence of the GARS gene has been identified. The boundaries of this event are unknown as they extend beyond the assayed region for this gene and therefore may encompass additional genes. As the precise location of this event is unknown, it may be in tandem or it may be located elsewhere in the genome.